The following is an entry in ClinVar:

NM_005732.4(RAD50):c.2215A>G (p.Ile739Val)

Gene: RAD50 (RAD50 double strand break repair protein; plus strand). Cytogenetic location: 5q31.1.
Variant type: single nucleotide variant.
Coding change: c.2215A>G on transcript NM_005732.4 (MANE Select); coding-DNA position 2215, A replaced by G.
Protein change: p.Ile739Val; replaces isoleucine 739 with valine.
Molecular consequence: missense variant.
Genome position (GRCh38, 1-based): chr5:132,603,307, A>G. VCF-style: chr5-132603307-A-G. GRCh37 (hg19) VCF-style: chr5-131938999-A-G.
Other names: c.2215A>G (NM_005732.3); short protein forms I739V.
Identifiers: ClinVar variation 1003517 (VCV001003517.8), dbSNP rs1750919678, ClinGen allele CA360953041.
Genomic context (GRCh38, chr5:132,603,307, plus strand): 5'-TCTAACTGTGAGAAACATCAGATACTTTATTTTTAATTGTGTTTTCTATTTAGGCAAAGC[A>G]TAATTGATTTGAAGGAGAAGGAAATACCAGAATTAAGAAACAAACTGCAGAATGTCAATA-3'
Protein context (NP_005723.2, residues 729-749): MLGLVPMRQS[Ile739Val]IDLKEKEIPE

ClinVar aggregate classification (germline): Uncertain significance. Review status: criteria provided, multiple submitters, no conflicts (2 of 4 stars). 2 submissions from 2 submitters: Uncertain significance (2). Last evaluated 2025-07-17.

Conditions:
Hereditary cancer-predisposing syndrome. Also called: Hereditary neoplastic syndrome; Neoplastic Syndromes, Hereditary; Tumor predisposition; Hereditary Cancer Syndrome. Identifiers: Orphanet 140162, MedGen C0027672, MeSH D009386, MONDO:0015356.

Submissions (2):

Labcorp Genetics (formerly Invitae), Labcorp
Classification: Uncertain significance for Hereditary cancer-predisposing syndrome. Last evaluated: 2025-07-17. Review status: criteria provided, single submitter. Criteria: Invitae Variant Classification Sherloc (09022015). Collection method: clinical testing. Allele origin: germline.
Comment: This sequence change replaces isoleucine, which is neutral and non-polar, with valine, which is neutral and non-polar, at codon 739 of the RAD50 protein (p.Ile739Val). This variant is not present in population databases (gnomAD no frequency). This variant has not been reported in the literature in individuals affected with RAD50-related conditions. ClinVar contains an entry for this variant (Variation ID: 1003517). Invitae Evidence Modeling of protein sequence and biophysical properties (such as structural, functional, and spatial information, amino acid conservation, physicochemical variation, residue mobility, and thermodynamic stability) indicates that this missense variant is not expected to disrupt RAD50 protein function with a negative predictive value of 80%. RNA analysis performed to evaluate the impact of this missense change on mRNA splicing indicates it does not significantly alter splicing (internal data). In summary, the available evidence is currently insufficient to determine the role of this variant in disease. Therefore, it has been classified as a Variant of Uncertain Significance.

Ambry Genetics
Classification: Uncertain significance for Hereditary cancer-predisposing syndrome. Last evaluated: 2024-12-03. Review status: criteria provided, single submitter. Criteria: Ambry Variant Classification Scheme 2023. Collection method: clinical testing. Allele origin: germline.
Comment: The p.I739V variant (also known as c.2215A>G), located in coding exon 14 of the RAD50 gene, results from an A to G substitution at nucleotide position 2215. The isoleucine at codon 739 is replaced by valine, an amino acid with highly similar properties. This amino acid position is conserved. In addition, this alteration is predicted to be tolerated by in silico analysis. Based on the available evidence, the clinical significance of this variant remains unclear.